The following is an entry in ClinVar:

ClinVar aggregate classification (germline): Likely pathogenic (1 of 4 stars; one submission).

Submission:

GeneDx
Classification: Likely pathogenic. Last evaluated: 2017-10-30. Review status: criteria provided, single submitter. Criteria: GeneDx Variant Classification (06012015). Collection method: clinical testing. Allele origin: germline. Affected: yes.
Comment: The D2087G variant in the DYNC1H1 gene has not been reported previously as a pathogenic variant, nor as a benign variant, to our knowledge. The D2087G variant is not observed in large population cohorts (Lek et al., 2016). The D2087G variant is a non-conservative amino acid substitution, which occurs at a position that is conserved across species. In silico analysis predicts this variant is probably damaging to the protein structure/function. We interpret D2087G as a likely pathogenic variant

NM_001376.5(DYNC1H1):c.6260A>G (p.Asp2087Gly)

Gene: DYNC1H1 (dynein cytoplasmic 1 heavy chain 1; plus strand). Cytogenetic location: 14q32.31.
Variant type: single nucleotide variant.
Coding change: c.6260A>G on transcript NM_001376.5 (MANE Select); coding-DNA position 6260, A replaced by G.
Protein change: p.Asp2087Gly; replaces aspartic acid 2087 with glycine.
Molecular consequence: missense variant.
Genome position (GRCh38, 1-based): chr14:102,010,314, A>G. VCF-style: chr14-102010314-A-G. GRCh37 (hg19) VCF-style: chr14-102476651-A-G.
Other names: short protein forms D2087G.
Identifiers: ClinVar variation 453045 (VCV000453045.2), dbSNP rs1555409850, ClinGen allele CA391054152.
Genomic context (GRCh38, chr14:102,010,314, plus strand): 5'-GCCTTTTTTTCTTCTTTTCTAGACTATGCGATGAGCAGCTCTCTTCCCAAAGCCATTATG[A>G]CTTCGGTCTTCGGGCTTTGAAGAGTGTGCTGGTGAGTGCAGGCAATGTGAAGAGAGAGAG-3'
Protein context (NP_001367.2, residues 2077-2097): DEQLSSQSHY[Asp2087Gly]FGLRALKSVL